The following is an entry in ClinVar:

NM_003476.5(CSRP3):c.99G>A (p.Thr33=)

Gene: CSRP3 (cysteine and glycine rich protein 3; minus strand). Cytogenetic location: 11p15.1.
Variant type: single nucleotide variant.
Coding change: c.99G>A on transcript NM_003476.5 (MANE Select); coding-DNA position 99, G replaced by A.
Protein change: p.Thr33=; no amino-acid change (threonine 33 retained).
Molecular consequence: synonymous variant.
Genome position (GRCh38, 1-based): chr11:19,192,350, C>T on the plus strand (G>A on the coding strand, the complement: CSRP3 is on the minus strand). VCF-style: chr11-19192350-C-T. GRCh37 (hg19) VCF-style: chr11-19213897-C-T.
Other names: c.99G>A (NM_003476.3); c.99G>A, p.Thr33= (NM_001369404.1).
Identifiers: ClinVar variation 726293 (VCV000726293.12), dbSNP rs147549410, ClinGen allele CA5916671.

ClinVar aggregate classification (germline): Conflicting classifications of pathogenicity. Review status: criteria provided, conflicting classifications (1 of 4 stars). 3 submissions from 3 submitters: Uncertain significance (1); Likely benign (2). Last evaluated 2026-09-08.

Conditions:
CSRP3-related disorder. Also called: CSRP3-related disorders; CSRP3-related condition.
Cardiovascular phenotype. Identifiers: MedGen CN230736.
Dilated cardiomyopathy 1M (CMD1M). Identifiers: Orphanet 154, MedGen C1843808, MONDO:0011840, OMIM 607482.
Hypertrophic cardiomyopathy 12. Identifiers: MedGen C2677491, MONDO:0012804, OMIM 612124.

Allele frequency attached by ClinVar (database versions not stated): ExAC 0.00002; gnomAD 0.00003; TOPMed 0.00003; ESP Exome Variant Server 0.00008.
gnomAD v4.1: 22 of 1,613,690 alleles (0.0014%); highest among the groups gnomAD compares: East Asian, 0.0045%; no homozygotes.

Submissions (3):

PreventionGenetics, part of Exact Sciences
Classification: Likely benign for CSRP3-related condition. Last evaluated: 2026-09-08. Review status: criteria provided, single submitter. Criteria: ACMG Guidelines, 2015. Collection method: clinical testing. Allele origin: germline.
Comment: This variant is classified as likely benign based on ACMG/AMP sequence variant interpretation guidelines (Richards et al. 2015 PMID: 25741868, with internal and published modifications).

Ambry Genetics
Classification: Uncertain significance for Cardiovascular phenotype. Last evaluated: 2026-03-02. Review status: criteria provided, single submitter. Criteria: Ambry Variant Classification Scheme 2023. Collection method: clinical testing. Allele origin: germline.
Comment: The c.99G>A variant (also known as p.T33T), located in coding exon 1 of the CSRP3 gene, results from a G to A substitution at nucleotide position 99. This nucleotide substitution does not change the amino acid at codon 33. This nucleotide position is poorly conserved in available vertebrate species. In silico splice site analysis for this alteration is inconclusive. Based on the available evidence, the clinical significance of this variant remains unclear.

Labcorp Genetics (formerly Invitae), Labcorp
Classification: Likely benign for Hypertrophic cardiomyopathy 12; Dilated cardiomyopathy 1M. Last evaluated: 2024-07-01. Review status: criteria provided, single submitter. Criteria: Invitae Variant Classification Sherloc (09022015). Collection method: clinical testing. Allele origin: germline.